The following is an entry in ClinVar:

ClinVar aggregate classification (germline): Likely benign. Review status: criteria provided, single submitter (1 of 4 stars). 2 submissions from 2 submitters: Likely benign (1). 1 of the submissions does not count toward it. Last evaluated 2022-02-12.

Conditions:
ALPK2-related disorder. Also called: ALPK2-related condition.

Allele frequency attached by ClinVar (database versions not stated): gnomAD exomes 0.00068; ExAC 0.00198; ESP Exome Variant Server 0.00584; gnomAD 0.00588; 1000 Genomes Project 30x 0.00656; 1000 Genomes Project 0.00659; TOPMed 0.00680.
gnomAD v4.1: 1,952 of 1,613,818 alleles (0.12%); highest among the groups gnomAD compares: African/African-American, 2%; 19 homozygotes.

Submissions (2):

Ambry Genetics
Classification: Likely benign. Last evaluated: 2022-02-12. Review status: criteria provided, single submitter. Criteria: Ambry Variant Classification Scheme 2023. Collection method: clinical testing. Allele origin: germline.

PreventionGenetics, part of Exact Sciences
Classification: Benign for ALPK2-related condition. Last evaluated: 2019-04-30. Review status: no assertion criteria provided. Collection method: clinical testing. Allele origin: germline. Not counted in ClinVar's aggregate classification.
Comment: This variant is classified as benign based on ACMG/AMP sequence variant interpretation guidelines (Richards et al. 2015 PMID: 25741868, with internal and published modifications).

NM_052947.4(ALPK2):c.1260C>T (p.His420=)

Gene: ALPK2 (alpha kinase 2; minus strand). Cytogenetic location: 18q21.31.
Variant type: single nucleotide variant.
Coding change: c.1260C>T on transcript NM_052947.4 (MANE Select); coding-DNA position 1260, C replaced by T.
Protein change: p.His420=; no amino-acid change (histidine 420 retained).
Molecular consequence: synonymous variant.
Genome position (GRCh38, 1-based): chr18:58,579,516, G>A on the plus strand (C>T on the coding strand, the complement: ALPK2 is on the minus strand). VCF-style: chr18-58579516-G-A. GRCh37 (hg19) VCF-style: chr18-56246748-G-A.
Identifiers: ClinVar variation 1762995 (VCV001762995.4), dbSNP rs75412529, ClinGen allele CA8977288.
Genomic context (GRCh38, chr18:58,579,516, plus strand): 5'-CGTTCCATCCTGGTGAGGTCCCAAAATGAGAGTCATCCCTGTTTGTGGGGATGAGGGACC[G>A]TGCTTGGAGACTCTGCTGCTCCTCACCCCAACTTCTTGGGGTTGTGAGTGATGACCACAG-3'
Protein context (NP_443179.3, residues 410-430): VGVRSSRVSK[His420=]GPSSPQTGMT